The following is an entry in ClinVar:

ClinVar aggregate classification (germline): Uncertain significance (1 of 4 stars; one submission).

Conditions:
Familial thoracic aortic aneurysm and aortic dissection (TAAD). Also called: Thoracic aortic aneurysms and dissections. Identifiers: Orphanet 91387, MedGen C4707243, MONDO:0019625.

Submission:

Ambry Genetics
Classification: Uncertain significance for Familial thoracic aortic aneurysm and aortic dissection. Last evaluated: 2024-08-11. Review status: criteria provided, single submitter. Criteria: Ambry Variant Classification Scheme 2023. Collection method: clinical testing. Allele origin: germline.
Comment: The p.S506L variant (also known as c.1517C>T), located in coding exon 5 of the SKI gene, results from a C to T substitution at nucleotide position 1517. The serine at codon 506 is replaced by leucine, an amino acid with dissimilar properties. This amino acid position is conserved. In addition, the in silico prediction for this alteration is inconclusive. Based on the available evidence, the clinical significance of this variant remains unclear.

NM_003036.4(SKI):c.1517C>T (p.Ser506Leu)

Gene: SKI (SKI proto-oncogene; plus strand). Cytogenetic location: 1p36.32.
Variant type: single nucleotide variant.
Coding change: c.1517C>T on transcript NM_003036.4 (MANE Select); coding-DNA position 1517, C replaced by T.
Protein change: p.Ser506Leu; replaces serine 506 with leucine.
Molecular consequence: missense variant.
Genome position (GRCh38, 1-based): chr1:2,304,335, C>T. VCF-style: chr1-2304335-C-T. GRCh37 (hg19) VCF-style: chr1-2235774-C-T.
Other names: short protein forms S506L.
Identifiers: ClinVar variation 3442288 (VCV003442288.1).